The following is an entry in ClinVar:

ClinVar aggregate classification (germline): Likely benign (0 of 4 stars; one submission).

Conditions:
GOT1-related disorder. Also called: GOT1-related condition.

Allele frequency attached by ClinVar (database versions not stated): ESP Exome Variant Server 0.00031; 1000 Genomes Project 0.00040; gnomAD 0.00046; 1000 Genomes Project 30x 0.00047; ExAC 0.00060; TOPMed 0.00061.
gnomAD v4.1: 1,157 of 1,613,986 alleles (0.072%); highest among the groups gnomAD compares: Middle Eastern, 0.082%; 2 homozygotes.

Submission:

PreventionGenetics, part of Exact Sciences
Classification: Likely benign for GOT1-related condition. Last evaluated: 2020-11-30. Review status: no assertion criteria provided. Collection method: clinical testing. Allele origin: germline.
Comment: This variant is classified as likely benign based on ACMG/AMP sequence variant interpretation guidelines (Richards et al. 2015 PMID: 25741868, with internal and published modifications).

NM_002079.3(GOT1):c.479G>A (p.Arg160His)

Gene: GOT1 (glutamic-oxaloacetic transaminase 1; minus strand). Cytogenetic location: 10q24.2.
Variant type: single nucleotide variant.
Coding change: c.479G>A on transcript NM_002079.3 (MANE Select); coding-DNA position 479, G replaced by A.
Protein change: p.Arg160His; replaces arginine 160 with histidine.
Molecular consequence: missense variant.
Genome position (GRCh38, 1-based): chr10:99,406,195, C>T on the plus strand (G>A on the coding strand, the complement: GOT1 is on the minus strand). VCF-style: chr10-99406195-C-T. GRCh37 (hg19) VCF-style: chr10-101165952-C-T.
Other names: short protein forms R160H.
Identifiers: ClinVar variation 3047043 (VCV003047043.2), dbSNP rs146049867, ClinGen allele CA5640934.